The following is an entry in ClinVar:

ClinVar aggregate classification (germline): Likely pathogenic (1 of 4 stars; one submission).

Conditions:
Renal cysts and diabetes syndrome (RCAD). Also called: Familial hypoplastic, glomerulocystic kidney; MATURITY-ONSET DIABETES OF THE YOUNG, TYPE 5. Identifiers: Orphanet 93111, MedGen C0431693, MONDO:0007669, OMIM 137920.

Submission:

Institute of Human Genetics, FAU Erlangen, Friedrich-Alexander-Universität Erlangen-Nürnberg
Classification: Likely pathogenic for Renal cysts and diabetes syndrome. Last evaluated: 2019-07-06. Review status: criteria provided, single submitter. Criteria: ACMG Guidelines, 2015. Collection method: literature only. Allele origin: germline. Affected: yes.
Comment: This variant and it's classification has been reported by Vasileiou et al. 2019; DOI:10.1101/576918. The variants has previously been reported in PMID:25700310; PMID:26319241; PMID:25536396 as "c.728A>C; c.728A>C" with clinical significance Pathogenic. It has been re-classified using InterVar and manual curation as Likely pathogenic based on PM1 PM2 PP3 PP5.

Literature cited by the submitters: PubMed 25700310; PubMed 26319241; PubMed 25536396; DOI 10.1101/576918.

NM_000458.4(HNF1B):c.728A>C (p.Gln243Pro)

Genes: HNF1B (HNF1 homeobox B; minus strand), LOC126862549 (BRD4-independent group 4 enhancer GRCh37_chr17:36093401-36094600; plus strand). Cytogenetic location: 17q12.
Variant type: single nucleotide variant.
Coding change: c.728A>C on transcript NM_000458.4 (MANE Select); coding-DNA position 728, A replaced by C.
Protein change: p.Gln243Pro; replaces glutamine 243 with proline.
Molecular consequence: missense variant.
Genome position (GRCh38, 1-based): chr17:37,733,638, T>G on the plus strand (A>C on the coding strand, the complement: HNF1B is on the minus strand). VCF-style: chr17-37733638-T-G. GRCh37 (hg19) VCF-style: chr17-36093631-T-G.
Other names: c.650A>C, p.Gln217Pro (NM_001165923.4, NM_001304286.2); short protein forms Q243P, Q217P.
Identifiers: ClinVar variation 635655 (VCV000635655.1), dbSNP rs2511808998, ClinGen allele CA398748444.